The following is an entry in ClinVar:

ClinVar aggregate classification (germline): Conflicting classifications of pathogenicity. Review status: criteria provided, conflicting classifications (1 of 4 stars). 3 submissions from 3 submitters: Uncertain significance (1); Likely benign (1). 1 of the submissions does not count toward it. Last evaluated 2025-11-01.

Allele frequency attached by ClinVar (database versions not stated): ExAC 0.00003; gnomAD exomes 0.00003; TOPMed 0.00003; gnomAD 0.00007 and 0.00008.

Submissions (3):

CeGaT Center for Human Genetics Tuebingen
Classification: Likely benign. Last evaluated: 2025-11-01. Review status: criteria provided, single submitter. Criteria: CeGaT Center For Human Genetics Tuebingen Variant Classification Criteria Version 2. Collection method: clinical testing. Allele origin: germline. Affected: yes. Observed: 1 variant allele.
Comment: ASXL1: BP4

Labcorp Genetics (formerly Invitae), Labcorp
Classification: Uncertain significance. Last evaluated: 2025-10-02. Review status: criteria provided, single submitter. Criteria: Invitae Variant Classification Sherloc (09022015). Collection method: clinical testing. Allele origin: germline.
Comment: This sequence change replaces glycine, which is neutral and non-polar, with valine, which is neutral and non-polar, at codon 219 of the ASXL1 protein (p.Gly219Val). This variant is present in population databases (rs587778064, gnomAD 0.007%). This variant has not been reported in the literature in individuals affected with ASXL1-related conditions. ClinVar contains an entry for this variant (Variation ID: 133601). An algorithm developed to predict the effect of missense changes on protein structure and function (PolyPhen-2) suggests that this variant is likely to be disruptive. In summary, the available evidence is currently insufficient to determine the role of this variant in disease. Therefore, it has been classified as a Variant of Uncertain Significance.

ITMI
No classification provided. Condition: AllHighlyPenetrant. Last evaluated: 2013-09-19. Review status: no classification provided. Collection method: reference population. Allele origin: germline. Not counted in ClinVar's aggregate classification.
Comment: Please see associated publication for description of ethnicities

Literature cited by the submitters: PubMed 24728327 (cited by ITMI).

NM_015338.6(ASXL1):c.656G>T (p.Gly219Val)

Gene: ASXL1 (ASXL transcriptional regulator 1; plus strand). Cytogenetic location: 20q11.21.
Variant type: single nucleotide variant.
Coding change: c.656G>T on transcript NM_015338.6 (MANE Select); coding-DNA position 656, G replaced by T.
Protein change: p.Gly219Val; replaces glycine 219 with valine.
Molecular consequence: missense variant. On other transcripts: intron variant (1).
Genome position (GRCh38, 1-based): chr20:32,429,991, G>T. VCF-style: chr20-32429991-G-T. GRCh37 (hg19) VCF-style: chr20-31017794-G-T.
Other names: c.535+560G>T (NM_001363734.1); short protein forms G219V.
Identifiers: ClinVar variation 133601 (VCV000133601.12), dbSNP rs587778064, ClinGen allele CA157056.
Genomic context (GRCh38, chr20:32,429,991, plus strand): 5'-GCGGCAGCCCGTCCAGCAGCAGCAGCGGCTCTCTGGCCCTGGGCAGCGCTGCTATTCGTG[G>T]CCAGGCCGAGGTCACCCAGGACCCTGCCCCGCTCCTGAGAGGCTTCCGGAAGCCAGCCAC-3'
Protein context (NP_056153.2, residues 209-229): SLALGSAAIR[Gly219Val]QAEVTQDPAP